The following is an entry in ClinVar:

ClinVar aggregate classification (germline): Pathogenic. Review status: criteria provided, multiple submitters, no conflicts (2 of 4 stars). 2 submissions from 2 submitters: Pathogenic (2). Last evaluated 2023-05-17.
ClinVar aggregate classification (oncogenicity): Likely oncogenic (1 of 4 stars; one submission).

Conditions:
Oligodontia-cancer predisposition syndrome. Also called: TOOTH AGENESIS-COLORECTAL CANCER SYNDROME. Identifiers: Orphanet 300576, MedGen C1837750, MONDO:0012075, OMIM 608615. Disease mechanism: loss of function.
Neoplasm. Also called: tumor; Neoplasms; Neoplasm (disease). Identifiers: MedGen C0027651, MeSH D009369, MONDO:0005070, HP:0002664.

Submissions (3):

Center for Genomic Medicine, Rigshospitalet, Copenhagen University Hospital
Classification: Likely oncogenic for Neoplasm. Last evaluated: 2025-12-29. Review status: criteria provided, single submitter. Criteria: ClinGen/CGC/VICC Guidelines for Oncogenicity, 2022. Collection method: clinical testing. Allele origin: somatic. Affected: yes.

Myriad Genetics, Inc.
Classification: Pathogenic for Oligodontia-cancer predisposition syndrome. Last evaluated: 2023-05-17. Review status: criteria provided, single submitter. Criteria: Myriad Autosomal Dominant, Autosomal Recessive and X-Linked Classification Criteria (2023). Collection method: clinical testing. Allele origin: unknown.
Comment: This variant is considered pathogenic. This variant creates a frameshift predicted to result in premature protein truncation.

Labcorp Genetics (formerly Invitae), Labcorp
Classification: Pathogenic for Oligodontia-cancer predisposition syndrome. Last evaluated: 2019-08-17. Review status: criteria provided, single submitter. Criteria: Invitae Variant Classification Sherloc (09022015). Collection method: clinical testing. Allele origin: germline.
Comment: For these reasons, this variant has been classified as Pathogenic. Loss-of-function variants in AXIN2 are known to be pathogenic (PMID: 15042511, 21416598). This variant has not been reported in the literature in individuals with AXIN2-related conditions. ClinVar contains an entry for this variant (Variation ID: 566626). The frequency data for this variant in the population databases is considered unreliable, as metrics indicate poor data quality at this position in the ExAC database. This sequence change creates a premature translational stop signal (p.Glu405Glyfs*56) in the AXIN2 gene. It is expected to result in an absent or disrupted protein product.

Literature cited by the submitters: PubMed 21245303 (cited by Center for Genomic Medicine, Rigshospitalet, Copenhagen University Hospital); PubMed 15042511 (cited by Labcorp Genetics (formerly Invitae), Labcorp); PubMed 21416598 (cited by Labcorp Genetics (formerly Invitae), Labcorp).

NM_004655.4(AXIN2):c.1214_1215del (p.Glu405fs)

Gene: AXIN2 (axin 2; minus strand). Cytogenetic location: 17q24.1.
Variant type: Microsatellite.
Coding change: c.1214_1215del on transcript NM_004655.4 (MANE Select); coding-DNA positions 1214 to 1215, 2 bases deleted (AG; older notation c.1214_1215delAG).
Protein change: p.Glu405fs; shifts the reading frame from glutamic acid 405.
Molecular consequence: frameshift variant.
Genome position (GRCh38, 1-based): chr17:65,537,821-65,537,822, CT deleted on the plus strand (AG on the coding strand, the reverse complement: AXIN2 is on the minus strand); deleting any 2 consecutive bases within chr17:65,537,821-65,537,830 gives the same sequence; the c. name uses the placement nearest the transcript's 3' end. VCF-style (leftmost placement, unchanged base first): chr17-65537820-CCT-C. GRCh37 (hg19) VCF-style: chr17-63533938-CCT-C.
Other names: c.1214_1215del (NM_004655.3); c.1214_1215delAG (NM_004655.4); c.1214_1215del, p.Glu405fs (NM_001363813.1); short protein forms E405fs.
Identifiers: ClinVar variation 566626 (VCV000566626.11), dbSNP rs771001164, ClinGen allele CA8718712.